The following is an entry in ClinVar:

NM_001077350.3(NPRL3):c.1427del (p.Ser476fs)

Genes: HBA-LCR (alpha-globin locus control region; plus strand), NPRL3 (NPR3 like, GATOR1 complex subunit; minus strand). Cytogenetic location: 16p13.3.
Variant type: Deletion.
Coding change: c.1427del on transcript NM_001077350.3 (MANE Select); coding-DNA position 1427, one base deleted (C; older notation c.1427delC).
Protein change: p.Ser476fs; shifts the reading frame from serine 476.
Molecular consequence: frameshift variant.
Genome position (GRCh38, 1-based): chr16:88,815, G deleted on the plus strand (C on the coding strand, the reverse complement: NPRL3 is on the minus strand). VCF-style (leftmost placement, unchanged base first): chr16-88814-CG-C. GRCh37 (hg19) VCF-style: chr16-138812-CG-C.
Other names: c.890del, p.Ser297fs (NM_001039476.3); c.1193del, p.Ser398fs (NM_001243247.2); c.1352del, p.Ser451fs (NM_001243248.2, NM_001243249.2); short protein forms S398fs, S297fs, S451fs, S476fs.
Identifiers: ClinVar variation 2734935 (VCV002734935.3), dbSNP rs2542799465, ClinGen allele CA2697549425.

ClinVar aggregate classification (germline): Pathogenic (1 of 4 stars; one submission).

Conditions:
Epilepsy, familial focal, with variable foci 3 (FFEVF3). Identifiers: MedGen C4310708, MONDO:0014925, OMIM 617118.

Submission:

Labcorp Genetics (formerly Invitae), Labcorp
Classification: Pathogenic for Epilepsy, familial focal, with variable foci 3. Last evaluated: 2023-05-27. Review status: criteria provided, single submitter. Criteria: Invitae Variant Classification Sherloc (09022015). Collection method: clinical testing. Allele origin: germline.
Comment: This sequence change creates a premature translational stop signal (p.Ser476Cysfs*3) in the NPRL3 gene. It is expected to result in an absent or disrupted protein product. Loss-of-function variants in NPRL3 are known to be pathogenic (PMID: 26285051, 26505888). This variant is not present in population databases (gnomAD no frequency). This variant has not been reported in the literature in individuals affected with NPRL3-related conditions. For these reasons, this variant has been classified as Pathogenic.

Literature cited by the submitters: PubMed 26285051; PubMed 26505888.